The following is an entry in ClinVar:

NM_006885.4(ZFHX3):c.10693G>A (p.Ala3565Thr)

Genes: ZFHX3 (zinc finger homeobox 3; minus strand), ZFHX3-AS1 (ZFHX3 antisense RNA 1; plus strand). Cytogenetic location: 16q22.2.
Variant type: single nucleotide variant.
Coding change: c.10693G>A on transcript NM_006885.4 (MANE Select); coding-DNA position 10693, G replaced by A.
Protein change: p.Ala3565Thr; replaces alanine 3565 with threonine.
Molecular consequence: missense variant. On other transcripts: non-coding transcript variant (1).
Genome position (GRCh38, 1-based): chr16:72,787,583, C>T on the plus strand (G>A on the coding strand, the complement: ZFHX3 is on the minus strand). VCF-style: chr16-72787583-C-T. GRCh37 (hg19) VCF-style: chr16-72821482-C-T.
Other names: c.7951G>A, p.Ala2651Thr (NM_001164766.2); c.10693G>A, p.Ala3565Thr (NM_001386735.1); short protein forms A2651T, A3565T.
Identifiers: ClinVar variation 4883235 (VCV004883235.2).

ClinVar aggregate classification (germline): Uncertain significance (1 of 4 stars; one submission).

gnomAD v4.1: 12 of 1,613,836 alleles (0.00074%); highest among the groups gnomAD compares: Admixed American, 0.005%; no homozygotes.

Submission:

Dasa
Classification: Uncertain significance. Last evaluated: 2024-10-28. Review status: criteria provided, single submitter. Criteria: DASA Assertion Criteria. Collection method: clinical testing. Allele origin: germline.
Comment: NM_006885.4(ZFHX3):c.10693G>A (p.Ala3565Thr) is a missense variant that results in the substitution of alanine with threonine. This variant is rare in population databases. The currently available literature and clinical evidence are not sufficient to establish a definitive association between this variant and the reported condition. Therefore, this variant is classified as a variant of uncertain significance.